The following is an entry in ClinVar:

NM_006348.5(COG5):c.839G>A (p.Gly280Glu)

Gene: COG5 (component of oligomeric golgi complex 5; minus strand). Cytogenetic location: 7q22.3.
Variant type: single nucleotide variant.
Coding change: c.839G>A on transcript NM_006348.5 (MANE Select); coding-DNA position 839, G replaced by A.
Protein change: p.Gly280Glu; replaces glycine 280 with glutamic acid.
Molecular consequence: missense variant. On other transcripts: intron variant (2).
Genome position (GRCh38, 1-based): chr7:107,362,417, C>T on the plus strand (G>A on the coding strand, the complement: COG5 is on the minus strand). VCF-style: chr7-107362417-C-T. GRCh37 (hg19) VCF-style: chr7-107002862-C-T.
Other names: c.839G>A, p.Gly280Glu (NM_181733.4, NM_001161520.2, NM_001379511.1 and 3 more transcripts); c.235-307G>A (NM_001379516.1); c.539-64071G>A (NM_001379515.1); short protein forms G280E.
Identifiers: ClinVar variation 1461010 (VCV001461010.3), dbSNP rs138072101, ClinGen allele CA368940268.
Genomic context (GRCh38, chr7:107,362,417, plus strand): 5'-CAGAATGAGGCACGCAAAGCTGCAGTATTTCCTGGGGTTGGCATGGTAGATCGTCCAGGT[C>T]CCCCTGGTTATGAGTGAGAAAGAACAATGAAAAATAAAGTTTTCCAAAGGCAAATATATA-3'
Protein context (NP_006339.4, residues 270-290): TQPSQSAVRG[Gly280Glu]PGRSTMPTPG

ClinVar aggregate classification (germline): Uncertain significance (1 of 4 stars; one submission).

Conditions:
COG5-congenital disorder of glycosylation. Also called: CDG IIi; COG5-CDG; CONGENITAL DISORDER OF GLYCOSYLATION, TYPE IIi. Identifiers: Orphanet 263487, MedGen C3150876, MONDO:0013325, OMIM 613612.

gnomAD v4.1: 7 of 1,607,654 alleles (0.00044%); highest among the groups gnomAD compares: Admixed American, 0.0017%; no homozygotes.

Submission:

Labcorp Genetics (formerly Invitae), Labcorp
Classification: Uncertain significance for COG5-congenital disorder of glycosylation. Last evaluated: 2022-06-13. Review status: criteria provided, single submitter. Criteria: Invitae Variant Classification Sherloc (09022015). Collection method: clinical testing. Allele origin: germline.
Comment: This sequence change replaces glycine, which is neutral and non-polar, with glutamic acid, which is acidic and polar, at codon 311 of the COG5 protein (p.Gly311Glu). This variant is not present in population databases (gnomAD no frequency). This variant has not been reported in the literature in individuals affected with COG5-related conditions. Algorithms developed to predict the effect of missense changes on protein structure and function are either unavailable or do not agree on the potential impact of this missense change (SIFT: "Deleterious"; PolyPhen-2: "Possibly Damaging"; Align-GVGD: "Class C0"). In summary, the available evidence is currently insufficient to determine the role of this variant in disease. Therefore, it has been classified as a Variant of Uncertain Significance.